The following is an entry in ClinVar:

ClinVar aggregate classification (germline): Uncertain significance (1 of 4 stars; one submission).

Conditions:
Hereditary cancer-predisposing syndrome. Also called: Hereditary neoplastic syndrome; Neoplastic Syndromes, Hereditary; Tumor predisposition; Hereditary Cancer Syndrome. Identifiers: Orphanet 140162, MedGen C0027672, MeSH D009386, MONDO:0015356.

Submission:

Ambry Genetics
Classification: Uncertain significance for Hereditary cancer-predisposing syndrome. Last evaluated: 2025-01-25. Review status: criteria provided, single submitter. Criteria: Ambry Variant Classification Scheme 2023. Collection method: clinical testing. Allele origin: germline.
Comment: The p.N1616D variant (also known as c.4846A>G), located in coding exon 22 of the DICER1 gene, results from an A to G substitution at nucleotide position 4846. The asparagine at codon 1616 is replaced by aspartic acid, an amino acid with highly similar properties. This amino acid position is conserved. In addition, this alteration is predicted to be tolerated by in silico analysis. Based on the available evidence, the clinical significance of this variant remains unclear.

NM_177438.3(DICER1):c.4846A>G (p.Asn1616Asp)

Gene: DICER1 (dicer 1, ribonuclease III; minus strand). Cytogenetic location: 14q32.13.
Variant type: single nucleotide variant.
Coding change: c.4846A>G on transcript NM_177438.3 (MANE Select); coding-DNA position 4846, A replaced by G.
Protein change: p.Asn1616Asp; replaces asparagine 1616 with aspartic acid.
Molecular consequence: missense variant. On other transcripts: non-coding transcript variant (6).
Genome position (GRCh38, 1-based): chr14:95,096,074, T>C on the plus strand (A>G on the coding strand, the complement: DICER1 is on the minus strand). VCF-style: chr14-95096074-T-C. GRCh37 (hg19) VCF-style: chr14-95562411-T-C.
Other names: c.4846A>G, p.Asn1616Asp (NM_001195573.1, NM_001271282.3, NM_001291628.2 and 12 more transcripts); c.4564A>G, p.Asn1522Asp (NM_001395686.1); c.4441A>G, p.Asn1481Asp (NM_001395687.1, NM_001395688.1, NM_001395689.1 and 2 more transcripts); c.4279A>G, p.Asn1427Asp (NM_001395691.1); c.3163A>G, p.Asn1055Asp (NM_001395697.1); short protein forms N1055D, N1522D, N1427D, N1481D, N1616D.
Identifiers: ClinVar variation 3840015 (VCV003840015.1).